The following is an entry in ClinVar:

ClinVar aggregate classification (germline): Likely benign. Review status: criteria provided, multiple submitters, no conflicts (2 of 4 stars). 3 submissions from 3 submitters: Likely benign (3). Last evaluated 2025-04-21.

Allele frequency attached by ClinVar (database versions not stated): gnomAD 0.00006 and 0.00007; TOPMed 0.00006; ExAC 0.00007; gnomAD exomes 0.00007 and 0.00016; ESP Exome Variant Server 0.00008.
gnomAD v4.1: 237 of 1,613,304 alleles (0.015%); highest among the groups gnomAD compares: Non-Finnish European, 0.019%; no homozygotes.

Submissions (3):

Labcorp Genetics (formerly Invitae), Labcorp
Classification: Likely benign. Last evaluated: 2025-04-21. Review status: criteria provided, single submitter. Criteria: Invitae Variant Classification Sherloc (09022015). Collection method: clinical testing. Allele origin: germline.

Blueprint Genetics
Classification: Likely benign. Last evaluated: 2024-11-23. Review status: criteria provided, single submitter. Criteria: ACMG Guidelines, 2015. Collection method: clinical testing. Allele origin: germline.

CeGaT Center for Human Genetics Tuebingen
Classification: Likely benign. Last evaluated: 2023-10-01. Review status: criteria provided, single submitter. Criteria: CeGaT Center For Human Genetics Tuebingen Variant Classification Criteria Version 2. Collection method: clinical testing. Allele origin: germline. Affected: yes. Observed: 1 variant allele.
Comment: VPS13A: BP4, BP7

NM_033305.3(VPS13A):c.5613C>T (p.Phe1871=)

Gene: VPS13A (vacuolar protein sorting 13 homolog A; plus strand). Cytogenetic location: 9q21.2.
Variant type: single nucleotide variant.
Coding change: c.5613C>T on transcript NM_033305.3 (MANE Select); coding-DNA position 5613, C replaced by T.
Protein change: p.Phe1871=; no amino-acid change (phenylalanine 1871 retained).
Molecular consequence: synonymous variant.
Genome position (GRCh38, 1-based): chr9:77,321,529, C>T. VCF-style: chr9-77321529-C-T. GRCh37 (hg19) VCF-style: chr9-79936445-C-T.
Other names: c.5496C>T, p.Phe1832= (NM_001018037.2); c.5613C>T, p.Phe1871= (NM_001018038.3, NM_015186.4).
Identifiers: ClinVar variation 1102301 (VCV001102301.35), dbSNP rs139782359, ClinGen allele CA5092821.